The following is an entry in ClinVar:

NM_019066.5(MAGEL2):c.3464A>C (p.Lys1155Thr)

Gene: MAGEL2 (MAGE family member L2; minus strand). Cytogenetic location: 15q11.2.
Variant type: single nucleotide variant.
Coding change: c.3464A>C on transcript NM_019066.5 (MANE Select); coding-DNA position 3464, A replaced by C.
Protein change: p.Lys1155Thr; replaces lysine 1155 with threonine.
Molecular consequence: missense variant.
Genome position (GRCh38, 1-based): chr15:23,644,279, T>G on the plus strand (A>C on the coding strand, the complement: MAGEL2 is on the minus strand). VCF-style: chr15-23644279-T-G. GRCh37 (hg19) VCF-style: chr15-23889426-T-G.
Other names: short protein forms K1155T.
Identifiers: ClinVar variation 3347993 (VCV003347993.2).

ClinVar aggregate classification (germline): Uncertain significance (1 of 4 stars; one submission).

Conditions:
MAGEL2-related disorder. Also called: MAGEL2-related condition.

Submission:

PreventionGenetics, part of Exact Sciences
Classification: Uncertain significance for MAGEL2-related condition. Last evaluated: 2025-10-20. Review status: criteria provided, single submitter. Criteria: ACMG Guidelines, 2015. Collection method: clinical testing. Allele origin: germline.
Comment: The MAGEL2 c.3464A>C variant is predicted to result in the amino acid substitution p.Lys1155Thr. To our knowledge, this variant has not been reported in the literature. This variant is reported in 0.011% of alleles in individuals of African descent in gnomAD. At this time, the clinical significance of this variant is uncertain due to the absence of conclusive functional and genetic evidence.